The following is an entry in ClinVar:

ClinVar aggregate classification (germline): Uncertain significance. Review status: criteria provided, multiple submitters, no conflicts (2 of 4 stars). 4 submissions from 4 submitters: Uncertain significance (4). Last evaluated 2025-12-28.

Conditions:
Hereditary cancer-predisposing syndrome. Also called: Neoplastic Syndromes, Hereditary; Hereditary neoplastic syndrome; Tumor predisposition; Hereditary Cancer Syndrome. Identifiers: Orphanet 140162, MedGen C0027672, MeSH D009386, MONDO:0015356.
Colorectal cancer. Also called: Colorectal cancer, somatic; Malignant Colorectal Neoplasm. Identifiers: MedGen C0346629, MONDO:0005575, OMIM 114500.
Oligodontia-cancer predisposition syndrome. Also called: TOOTH AGENESIS-COLORECTAL CANCER SYNDROME. Identifiers: Orphanet 300576, MedGen C1837750, MONDO:0012075, OMIM 608615. Disease mechanism: loss of function.

Allele frequency attached by ClinVar (database versions not stated): TOPMed below 0.00001.

Submissions (4):

Labcorp Genetics (formerly Invitae), Labcorp
Classification: Uncertain significance for Oligodontia-cancer predisposition syndrome. Last evaluated: 2025-12-28. Review status: criteria provided, single submitter. Criteria: Invitae Variant Classification Sherloc (09022015). Collection method: clinical testing. Allele origin: germline.
Comment: This sequence change replaces glycine, which is neutral and non-polar, with serine, which is neutral and polar, at codon 223 of the AXIN2 protein (p.Gly223Ser). This variant is present in population databases (no rsID available, gnomAD 0.01%). This variant has not been reported in the literature in individuals affected with AXIN2-related conditions. ClinVar contains an entry for this variant (Variation ID: 240027). Invitae Evidence Modeling of protein sequence and biophysical properties (such as structural, functional, and spatial information, amino acid conservation, physicochemical variation, residue mobility, and thermodynamic stability) indicates that this missense variant is not expected to disrupt AXIN2 protein function with a negative predictive value of 80%. In summary, the available evidence is currently insufficient to determine the role of this variant in disease. Therefore, it has been classified as a Variant of Uncertain Significance.

Ambry Genetics
Classification: Uncertain significance for Hereditary cancer-predisposing syndrome. Last evaluated: 2024-07-14. Review status: criteria provided, single submitter. Criteria: Ambry Variant Classification Scheme 2023. Collection method: clinical testing. Allele origin: germline.
Comment: The p.G223S variant (also known as c.667G>A), located in coding exon 1 of the AXIN2 gene, results from a G to A substitution at nucleotide position 667. The glycine at codon 223 is replaced by serine, an amino acid with similar properties. This amino acid position is conserved. In addition, the in silico prediction for this alteration is inconclusive. Since supporting evidence is limited at this time, the clinical significance of this alteration remains unclear.

GeneDx
Classification: Uncertain significance. Last evaluated: 2024-04-05. Review status: criteria provided, single submitter. Criteria: GeneDx Variant Classification Process June 2021. Collection method: clinical testing. Allele origin: germline. Affected: yes.
Comment: Not observed at significant frequency in large population cohorts (gnomAD); In silico analysis supports that this missense variant has a deleterious effect on protein structure/function; Has not been previously published as pathogenic or benign to our knowledge

Baylor Genetics
Classification: Uncertain significance for Colorectal cancer. Last evaluated: 2023-07-28. Review status: criteria provided, single submitter. Criteria: ACMG Guidelines, 2015. Collection method: clinical testing. Allele origin: unknown.

NM_004655.4(AXIN2):c.667G>A (p.Gly223Ser)

Gene: AXIN2 (axin 2; minus strand). Cytogenetic location: 17q24.1.
Variant type: single nucleotide variant.
Coding change: c.667G>A on transcript NM_004655.4 (MANE Select); coding-DNA position 667, G replaced by A.
Protein change: p.Gly223Ser; replaces glycine 223 with serine.
Molecular consequence: missense variant.
Genome position (GRCh38, 1-based): chr17:65,557,954, C>T on the plus strand (G>A on the coding strand, the complement: AXIN2 is on the minus strand). VCF-style: chr17-65557954-C-T. GRCh37 (hg19) VCF-style: chr17-63554072-C-T.
Other names: c.667G>A, p.Gly223Ser (NM_001363813.1); c.667G>A (LRG_296t1); short protein forms G223S.
Identifiers: ClinVar variation 240027 (VCV000240027.13), dbSNP rs878854733, ClinGen allele CA10583661.